The following is an entry in ClinVar:

NM_001083116.3(PRF1):c.134G>A (p.Gly45Glu)

Gene: PRF1 (perforin 1; minus strand). Cytogenetic location: 10q22.1.
Variant type: single nucleotide variant.
Coding change: c.134G>A on transcript NM_001083116.3 (MANE Select); coding-DNA position 134, G replaced by A.
Protein change: p.Gly45Glu; replaces glycine 45 with glutamic acid.
Molecular consequence: missense variant.
Genome position (GRCh38, 1-based): chr10:70,600,769, C>T on the plus strand (G>A on the coding strand, the complement: PRF1 is on the minus strand). VCF-style: chr10-70600769-C-T. GRCh37 (hg19) VCF-style: chr10-72360525-C-T.
Other names: c.134G>A, p.Gly45Glu (NM_005041.6); short protein forms G45E.
Identifiers: ClinVar variation 2735415 (VCV002735415.3), dbSNP rs1848218666, ClinGen allele CA376960022.
Genomic context (GRCh38, chr10:70,600,769, plus strand): 5'-CTTTGTGTGTCCACTGGGAAGGAGCCCGAGCGGCGGAGGCTGGTCACGTCCACACCCTCC[C>T]CGGCCAGCCATGCACCAGGCACGAACTTGTGGCTGCGCTTGCACTCTGAGCGTGCGGCTG-3'
Protein context (NP_001076585.1, residues 35-55): HKFVPGAWLA[Gly45Glu]EGVDVTSLRR

ClinVar aggregate classification (germline): Likely pathogenic (1 of 4 stars; one submission).

Conditions:
Familial hemophagocytic lymphohistiocytosis 2 (FHL2). Also called: PRF1-Related Familial Hemophagocytic Lymphohistiocytosis (PRF1-fHLH). Identifiers: Orphanet 540, MedGen C1863727, MONDO:0011337, OMIM 603553.

Allele frequency attached by ClinVar (database versions not stated): TOPMed below 0.00001.

Submission:

Labcorp Genetics (formerly Invitae), Labcorp
Classification: Likely pathogenic for Familial hemophagocytic lymphohistiocytosis 2. Last evaluated: 2023-02-25. Review status: criteria provided, single submitter. Criteria: Invitae Variant Classification Sherloc (09022015). Collection method: clinical testing. Allele origin: germline.
Comment: This missense change has been observed in individual(s) with hemophagocytic lymphohistiocytosis (PMID: 14757862). In summary, the currently available evidence indicates that the variant is pathogenic, but additional data are needed to prove that conclusively. Therefore, this variant has been classified as Likely Pathogenic. This variant disrupts the p.Gly45 amino acid residue in PRF1. Other variant(s) that disrupt this residue have been determined to be pathogenic (PMID: 11756153, 29357941, 30697212; Invitae). This suggests that this residue is clinically significant, and that variants that disrupt this residue are likely to be disease-causing. Experimental studies have shown that this missense change affects PRF1 function (PMID: 15755897, 16374518). Advanced modeling of protein sequence and biophysical properties (such as structural, functional, and spatial information, amino acid conservation, physicochemical variation, residue mobility, and thermodynamic stability) has been performed at Invitae for this missense variant, however the output from this modeling did not meet the statistical confidence thresholds required to predict the impact of this variant on PRF1 protein function. This variant is not present in population databases (gnomAD no frequency). This sequence change replaces glycine, which is neutral and non-polar, with glutamic acid, which is acidic and polar, at codon 45 of the PRF1 protein (p.Gly45Glu).

Literature cited by the submitters: PubMed 14757862; PubMed 11756153; PubMed 29357941; PubMed 30697212; PubMed 15755897; PubMed 16374518.